The following is an entry in ClinVar:

ClinVar aggregate classification (germline): Uncertain significance (1 of 4 stars; one submission).

Conditions:
Dystonic disorder. Also called: Dystonia. Identifiers: MedGen C0013421, MONDO:0003441, HP:0001332.

Allele frequency attached by ClinVar (database versions not stated): gnomAD exomes 0.00001.

Submission:

Labcorp Genetics (formerly Invitae), Labcorp
Classification: Uncertain significance for Dystonic disorder. Last evaluated: 2022-04-18. Review status: criteria provided, single submitter. Criteria: Invitae Variant Classification Sherloc (09022015). Collection method: clinical testing. Allele origin: germline.
Comment: In summary, the available evidence is currently insufficient to determine the role of this variant in disease. Therefore, it has been classified as a Variant of Uncertain Significance. Algorithms developed to predict the effect of missense changes on protein structure and function are either unavailable or do not agree on the potential impact of this missense change (SIFT: "Tolerated"; PolyPhen-2: "Probably Damaging"; Align-GVGD: "Class C0"). This variant has not been reported in the literature in individuals affected with SPR-related conditions. This variant is not present in population databases (gnomAD no frequency). This sequence change replaces proline, which is neutral and non-polar, with serine, which is neutral and polar, at codon 200 of the SPR protein (p.Pro200Ser).

NM_003124.5(SPR):c.598C>T (p.Pro200Ser)

Gene: SPR (sepiapterin reductase; plus strand). Cytogenetic location: 2p13.2.
Variant type: single nucleotide variant.
Coding change: c.598C>T on transcript NM_003124.5 (MANE Select); coding-DNA position 598, C replaced by T.
Protein change: p.Pro200Ser; replaces proline 200 with serine.
Molecular consequence: missense variant.
Genome position (GRCh38, 1-based): chr2:72,891,349, C>T. VCF-style: chr2-72891349-C-T. GRCh37 (hg19) VCF-style: chr2-73118478-C-T.
Other names: short protein forms P200S.
Identifiers: ClinVar variation 2180409 (VCV002180409.4), dbSNP rs2528319833, ClinGen allele CA347232355.